The following is an entry in ClinVar:

NM_000075.4(CDK4):c.340G>C (p.Ala114Pro)

Gene: CDK4 (cyclin dependent kinase 4; minus strand). Cytogenetic location: 12q14.1.
Variant type: single nucleotide variant.
Coding change: c.340G>C on transcript NM_000075.4 (MANE Select); coding-DNA position 340, G replaced by C.
Protein change: p.Ala114Pro; replaces alanine 114 with proline.
Molecular consequence: missense variant.
Genome position (GRCh38, 1-based): chr12:57,751,221, C>G on the plus strand (G>C on the coding strand, the complement: CDK4 is on the minus strand). VCF-style: chr12-57751221-C-G. GRCh37 (hg19) VCF-style: chr12-58145004-C-G.
Other names: short protein forms A114P.
Identifiers: ClinVar variation 939901 (VCV000939901.9), dbSNP rs1955233266, ClinGen allele CA385547534.
Genomic context (GRCh38, chr12:57,751,221, plus strand): 5'-TACAAAGGTCCCAATCCACCTCTCAATGCCTACCAACCCCACTCACCTTGATCGTTTCGG[C>G]TGGCAAGCCTGGTGGGGGTGCCTTGTCCAGATATGTCCTTAGGTCCTGGTCTACATGCTC-3'
Protein context (NP_000066.1, residues 104-124): LDKAPPPGLP[Ala114Pro]ETIKDLMRQF

ClinVar aggregate classification (germline): Uncertain significance (1 of 4 stars; one submission).

Conditions:
Familial melanoma. Also called: Hereditary melanoma; Hereditary cutaneous melanoma. Identifiers: Orphanet 618, MedGen C1512419, MONDO:0018961.

gnomAD v4.1: 2 of 1,614,190 alleles (0.00012%); highest among the groups gnomAD compares: Non-Finnish European, 0.00017%; no homozygotes.

Submission:

Labcorp Genetics (formerly Invitae), Labcorp
Classification: Uncertain significance for Familial melanoma. Last evaluated: 2019-05-21. Review status: criteria provided, single submitter. Criteria: Invitae Variant Classification Sherloc (09022015). Collection method: clinical testing. Allele origin: germline.
Comment: This variant has not been reported in the literature in individuals with CDK4-related conditions. This sequence change replaces alanine with proline at codon 114 of the CDK4 protein (p.Ala114Pro). The alanine residue is weakly conserved and there is a small physicochemical difference between alanine and proline. This variant is not present in population databases (ExAC no frequency). Algorithms developed to predict the effect of missense changes on protein structure and function (SIFT, PolyPhen-2, Align-GVGD) all suggest that this variant is likely to be tolerated, but these predictions have not been confirmed by published functional studies and their clinical significance is uncertain. In summary, the available evidence is currently insufficient to determine the role of this variant in disease. Therefore, it has been classified as a Variant of Uncertain Significance.